The following is an entry in ClinVar:

ClinVar aggregate classification (germline): Benign/Likely benign. Review status: criteria provided, multiple submitters, no conflicts (2 of 4 stars). 2 submissions from 2 submitters: Benign (1); Likely benign (1). Last evaluated 2023-08-03.

Conditions:
Dilated cardiomyopathy 1AA (CMD1AA). Also called: CARDIOMYOPATHY, DILATED, 1AA, WITH OR WITHOUT LEFT VENTRICULAR NONCOMPACTION; CARDIOMYOPATHY, FAMILIAL HYPERTROPHIC, 23, WITH OR WITHOUT LEFT VENTRICULAR NONCOMPACTION; Cardiomyopathy, dilated, 1AA, with or without LVNC. Identifiers: Orphanet 154, MedGen C2677338, MONDO:0012808, OMIM 612158.
Primary familial hypertrophic cardiomyopathy (HCM). Identifiers: Orphanet 99739, MedGen C0949658, MeSH D024741, MONDO:0024573. Inheritance: Various modes of inheritance.

Allele frequency attached by ClinVar (database versions not stated): gnomAD exomes below 0.00001; ExAC 0.00001; gnomAD 0.00003.
gnomAD v4.1: 2 of 1,614,088 alleles (0.00012%); highest among the groups gnomAD compares: African/African-American, 0.0027%; no homozygotes.

Submissions (2):

Labcorp Genetics (formerly Invitae), Labcorp
Classification: Benign for Primary familial hypertrophic cardiomyopathy; Dilated cardiomyopathy 1AA. Last evaluated: 2023-08-03. Review status: criteria provided, single submitter. Criteria: Invitae Variant Classification Sherloc (09022015). Collection method: clinical testing. Allele origin: germline.

GeneDx
Classification: Likely benign. Last evaluated: 2017-07-14. Review status: criteria provided, single submitter. Criteria: GeneDx Variant Classification (06012015). Collection method: clinical testing. Allele origin: germline. Affected: yes.
Comment: This variant is considered likely benign or benign based on one or more of the following criteria: it is a conservative change, it occurs at a poorly conserved position in the protein, it is predicted to be benign by multiple in silico algorithms, and/or has population frequency not consistent with disease.

NM_001103.4(ACTN2):c.2100G>A (p.Gln700=)

Gene: ACTN2 (actinin alpha 2; plus strand). Cytogenetic location: 1q43.
Variant type: single nucleotide variant.
Coding change: c.2100G>A on transcript NM_001103.4 (MANE Select); coding-DNA position 2100, G replaced by A.
Protein change: p.Gln700=; no amino-acid change (glutamine 700 retained).
Molecular consequence: synonymous variant.
Genome position (GRCh38, 1-based): chr1:236,755,144, G>A. VCF-style: chr1-236755144-G-A. GRCh37 (hg19) VCF-style: chr1-236918444-G-A.
Other names: c.2100G>A, p.Gln700= (NM_001278343.2); c.1476G>A, p.Gln492= (NM_001278344.2).
Identifiers: ClinVar variation 510845 (VCV000510845.6), dbSNP rs763184766, ClinGen allele CA1473343.